The following is an entry in ClinVar:

ClinVar aggregate classification (germline): Uncertain significance (1 of 4 stars; one submission).

Conditions:
POLR2A-related disorder. Also called: POLR2A-related condition.

Submission:

PreventionGenetics, part of Exact Sciences
Classification: Uncertain significance for POLR2A-related condition. Last evaluated: 2026-02-02. Review status: criteria provided, single submitter. Criteria: ACMG Guidelines, 2015. Collection method: clinical testing. Allele origin: germline.
Comment: The POLR2A c.2369A>G variant is predicted to result in the amino acid substitution p.Gln790Arg. To our knowledge, this variant has not been reported in the literature or in a large population database (gnomAD), indicating this variant is rare. At this time, the clinical significance of this variant is uncertain due to the absence of conclusive functional and genetic evidence.

NM_000937.5(POLR2A):c.2369A>G (p.Gln790Arg)

Genes: POLR2A (RNA polymerase II subunit A; plus strand), LOC126862481 (BRD4-independent group 4 enhancer GRCh37_chr17:7405086-7406285; plus strand). Cytogenetic location: 17p13.1.
Variant type: single nucleotide variant.
Coding change: c.2369A>G on transcript NM_000937.5 (MANE Select); coding-DNA position 2369, A replaced by G.
Protein change: p.Gln790Arg; replaces glutamine 790 with arginine.
Molecular consequence: missense variant.
Genome position (GRCh38, 1-based): chr17:7,501,919, A>G. VCF-style: chr17-7501919-A-G. GRCh37 (hg19) VCF-style: chr17-7405238-A-G.
Other names: short protein forms Q790R.
Identifiers: ClinVar variation 4991889 (VCV004991889.1).